The following is an entry in ClinVar:

NM_001330691.3(CEP78):c.1542C>T (p.Ile514=)

Gene: CEP78 (centrosomal protein 78; plus strand). Cytogenetic location: 9q21.2.
Variant type: single nucleotide variant.
Coding change: c.1542C>T on transcript NM_001330691.3 (MANE Select); coding-DNA position 1542, C replaced by T.
Protein change: p.Ile514=; no amino-acid change (isoleucine 514 retained).
Molecular consequence: synonymous variant.
Genome position (GRCh38, 1-based): chr9:78,264,233, C>T. VCF-style: chr9-78264233-C-T. GRCh37 (hg19) VCF-style: chr9-80879149-C-T.
Other names: p.Ile515=; c.1545C>T, p.Ile515= (NM_001098802.3, NM_001349839.2, NM_001349840.2 and 1 more transcripts); c.1542C>T, p.Ile514= (NM_001330693.3, NM_001330694.2, NM_001349838.2).
Identifiers: ClinVar variation 517541 (VCV000517541.18), dbSNP rs1057650, ClinGen allele CA5095286.

ClinVar aggregate classification (germline): Benign. Review status: criteria provided, multiple submitters, no conflicts (2 of 4 stars). 6 submissions from 6 submitters: Benign (6). Last evaluated 2026-02-03.

Allele frequency attached by ClinVar (database versions not stated): gnomAD exomes 0.07809 and 0.08259; ExAC 0.07997; 1000 Genomes Project 0.08466; 1000 Genomes Project 30x 0.08573; gnomAD 0.09405 and 0.09570; TOPMed 0.09662; ESP Exome Variant Server 0.09891.

Submissions (6):

Labcorp Genetics (formerly Invitae), Labcorp
Classification: Benign. Last evaluated: 2026-02-03. Review status: criteria provided, single submitter. Criteria: Invitae Variant Classification Sherloc (09022015). Collection method: clinical testing. Allele origin: germline.

Blueprint Genetics
Classification: Benign. Last evaluated: 2024-11-27. Review status: criteria provided, single submitter. Criteria: ACMG Guidelines, 2015. Collection method: clinical testing. Allele origin: germline.

Mayo Clinic Laboratories, Mayo Clinic
Classification: Benign. Last evaluated: 2022-04-22. Review status: criteria provided, single submitter. Criteria: ACMG Guidelines, 2015. Collection method: clinical testing. Allele origin: germline. Observed: 27 variant alleles.

GeneDx
Classification: Benign. Last evaluated: 2021-05-04. Review status: criteria provided, single submitter. Criteria: GeneDx Variant Classification Process June 2021. Collection method: clinical testing. Allele origin: germline. Affected: yes.

Laboratory for Molecular Medicine, Mass General Brigham Personalized Medicine
Classification: Benign. Last evaluated: 2017-08-23. Review status: criteria provided, single submitter. Criteria: LMM Criteria. Collection method: clinical testing. Allele origin: germline. Observed: 53 variant alleles.
Comment: p.Ile515Ile in exon 13 of CEP78: This variant is not expected to have clinical s ignificance because it does not alter an amino acid residue, is not located with in the splice consensus sequence, and has been identified in 13.43% (1308/9742) of African chromosomes by the Exome Aggregation Consortium (ExAC; dbSNP rs1057650).

Breakthrough Genomics
Classification: Benign. Review status: criteria provided, single submitter. Criteria: ACMG Guidelines, 2015. Collection method: not provided. Allele origin: germline. Inheritance: Autosomal recessive inheritance. Affected: yes.